The following is an entry in ClinVar:

NM_003322.6(TULP1):c.1145T>C (p.Phe382Ser)

Gene: TULP1 (TUB like protein 1; minus strand). Cytogenetic location: 6p21.31.
Variant type: single nucleotide variant.
Coding change: c.1145T>C on transcript NM_003322.6 (MANE Select); coding-DNA position 1145, T replaced by C.
Protein change: p.Phe382Ser; replaces phenylalanine 382 with serine.
Molecular consequence: missense variant.
Genome position (GRCh38, 1-based): chr6:35,503,816, A>G on the plus strand (T>C on the coding strand, the complement: TULP1 is on the minus strand). VCF-style: chr6-35503816-A-G. GRCh37 (hg19) VCF-style: chr6-35471593-A-G.
Other names: c.986T>C, p.Phe329Ser (NM_001289395.2); short protein forms F382S, F329S.
Identifiers: ClinVar variation 7362 (VCV000007362.11), dbSNP rs121909076, ClinGen allele CA254156.

ClinVar aggregate classification (germline): Pathogenic. Review status: criteria provided, multiple submitters, no conflicts (2 of 4 stars). 6 submissions from 6 submitters: Pathogenic (4). 2 of the submissions do not count toward it. Last evaluated 2025-06-19.

Conditions:
Retinal dystrophy. Also called: Inherited retinal dystrophy. Identifiers: Orphanet 71862, MedGen C0854723, MeSH D058499, MONDO:0019118, HP:0000556.
Leber congenital amaurosis (LCA). Also called: Leber's amaurosis. Identifiers: Orphanet 65, MedGen C0339527, MeSH D057130, MONDO:0018998.
Retinitis pigmentosa (RP). Identifiers: Orphanet 791, MedGen C0035334, MeSH D012174, MONDO:0019200, OMIM 268000. Inheritance: Autosomal dominant, autosomal recessive and X linked inheritance.
Retinitis pigmentosa 14 (RP14). Also called: RETINITIS PIGMENTOSA, JUVENILE, TULP1-RELATED. Identifiers: Orphanet 791, MedGen C1838603, MONDO:0010827, OMIM 600132.

Allele frequency attached by ClinVar (database versions not stated): gnomAD exomes 0.00001 and 0.00003; ExAC 0.00002.

Submissions (6):

Women's Health and Genetics/Laboratory Corporation of America, LabCorp
Classification: Pathogenic for Leber congenital amaurosis. Last evaluated: 2025-06-19. Review status: criteria provided, single submitter. Criteria: LabCorp Variant Classification Summary - May 2015. Collection method: clinical testing. Allele origin: germline.
Comment: Variant summary: TULP1 c.1145T>C (p.Phe382Ser) results in a non-conservative amino acid change in the encoded protein sequence. Algorithms developed to predict the effect of missense changes on protein structure and function all suggest that this variant is likely to be disruptive. The variant allele was found at a frequency of 8e-06 in 248518 control chromosomes (gnomAD). c.1145T>C has been observed in multiple individuals affected with Retinitis Pigmentosa or Leber Congenital Amaurosis (e.g., Kondo_ Liu_2021, Panneman_2023). These data indicate that the variant is very likely to be associated with disease. The following publications have been ascertained in the context of this evaluation (PMID: 15557452, 33090715, 36819107). ClinVar contains an entry for this variant (Variation ID: 7362). Based on the evidence outlined above, the variant was classified as pathogenic.

3billion
Classification: Pathogenic for Retinitis pigmentosa 14. Last evaluated: 2024-10-10. Review status: criteria provided, single submitter. Criteria: ACMG Guidelines, 2015. Collection method: clinical testing. Allele origin: germline. Affected: yes.
Comment: The variant is observed at an extremely low frequency in the gnomAD v4.1.0 dataset (total allele frequency: 0.001%). Predicted Consequence/Location: Missense variant In silico tool predictions suggest damaging effect of the variant on gene or gene product [REVEL: 0.93 (>=0.6, sensitivity 0.68 and specificity 0.92); 3Cnet: 0.98 (>=0.6, sensitivity 0.72 and precision 0.9)]. The same nucleotide change resulting in the same amino acid change has been previously reported as pathogenic/likely pathogenic with strong evidence (ClinVar ID: VCV000007362 /PMID: 15557452 /3billion dataset).The variant has been reported to be in trans with a pathogenic variant as either compound heterozygous or homozygous in at least 2 similarly affected unrelated individuals (PMID: 15557452, 25324289, 32901917 /3billion dataset).The variant has been reported to co-segregate with the disease in at least one similarly affected relative/individual in the same family or similarly affected unrelated family (PMID: 15557452). Therefore, this variant is classified as Pathogenic according to the recommendation of ACMG/AMP guideline.

Labcorp Genetics (formerly Invitae), Labcorp
Classification: Pathogenic. Last evaluated: 2024-02-05. Review status: criteria provided, single submitter. Criteria: Invitae Variant Classification Sherloc (09022015). Collection method: clinical testing. Allele origin: germline.
Comment: This sequence change replaces phenylalanine, which is neutral and non-polar, with serine, which is neutral and polar, at codon 382 of the TULP1 protein (p.Phe382Ser). This variant is present in population databases (rs121909076, gnomAD 0.006%). This missense change has been observed in individuals with retinitis pigmentosa and Leber congenital amaurosis (PMID: 15557452, 25324289, 32901917, 33090715, 33946315). It has also been observed to segregate with disease in related individuals. This variant is also known as p.Phe329Ser. ClinVar contains an entry for this variant (Variation ID: 7362). Advanced modeling of protein sequence and biophysical properties (such as structural, functional, and spatial information, amino acid conservation, physicochemical variation, residue mobility, and thermodynamic stability) performed at Invitae indicates that this missense variant is expected to disrupt TULP1 protein function with a positive predictive value of 95%. For these reasons, this variant has been classified as Pathogenic.

Dept Of Ophthalmology, Nagoya University
Classification: Pathogenic for Retinal dystrophy. Last evaluated: 2023-10-01. Review status: criteria provided, single submitter. Criteria: Submitter's publication. Collection method: research. Allele origin: germline. Affected: yes.

OMIM
Classification: Pathogenic for RETINITIS PIGMENTOSA 14. Last evaluated: 2004-12-01. Review status: no assertion criteria provided. Collection method: literature only. Allele origin: germline. Not counted in ClinVar's aggregate classification.

Department of Ophthalmology and Visual Sciences Kyoto University
Classification: Pathogenic for Retinitis pigmentosa. Review status: no assertion criteria provided. Collection method: not provided. Allele origin: unknown. Not counted in ClinVar's aggregate classification.
ClinVar note: Converted during submission from pathogenic to Pathogenic.

Literature cited by the submitters: PubMed 33090715 (cited by Women's Health and Genetics/Laboratory Corporation of America, LabCorp and Labcorp Genetics (formerly Invitae), Labcorp); PubMed 36819107 (cited by Women's Health and Genetics/Laboratory Corporation of America, LabCorp); PubMed 15557452 (cited by 4 submitters); PubMed 25324289 (cited by 3billion and Labcorp Genetics (formerly Invitae), Labcorp); PubMed 32901917 (cited by 3billion and Labcorp Genetics (formerly Invitae), Labcorp); PubMed 33946315 (cited by Labcorp Genetics (formerly Invitae), Labcorp); PubMed 10440267 (cited by OMIM).